The following is an entry in ClinVar:

ClinVar aggregate classification (germline): Uncertain significance. Review status: criteria provided, multiple submitters, no conflicts (2 of 4 stars). 2 submissions from 2 submitters: Uncertain significance (2). Last evaluated 2024-05-21.

Conditions:
Diabetes insipidus, nephrogenic, autosomal (NDI2). Also called: Nephrogenic Diabetes Insipidus, Type II; Diabetes insipidus, nephrogenic, 2, autosomal. Identifiers: Orphanet 223, MedGen C1563706, MONDO:0007451, OMIM 125800.

gnomAD v4.1: 5 of 1,612,708 alleles (0.00031%); highest among the groups gnomAD compares: Admixed American, 0.005%; no homozygotes.

Submissions (2):

Labcorp Genetics (formerly Invitae), Labcorp
Classification: Uncertain significance. Last evaluated: 2024-05-21. Review status: criteria provided, single submitter. Criteria: Invitae Variant Classification Sherloc (09022015). Collection method: clinical testing. Allele origin: germline.
Comment: This sequence change replaces proline, which is neutral and non-polar, with leucine, which is neutral and non-polar, at codon 225 of the AQP2 protein (p.Pro225Leu). This variant is not present in population databases (gnomAD no frequency). This missense change has been observed in individual(s) with autosomal recessive nephrogenic diabetes insipidus (Invitae). Advanced modeling of protein sequence and biophysical properties (such as structural, functional, and spatial information, amino acid conservation, physicochemical variation, residue mobility, and thermodynamic stability) performed at Invitae indicates that this missense variant is not expected to disrupt AQP2 protein function with a negative predictive value of 95%. In summary, the available evidence is currently insufficient to determine the role of this variant in disease. Therefore, it has been classified as a Variant of Uncertain Significance.

Fulgent Genetics
Classification: Uncertain significance for Diabetes insipidus, nephrogenic, autosomal. Last evaluated: 2024-04-15. Review status: criteria provided, single submitter. Criteria: ACMG Guidelines, 2015. Collection method: clinical testing. Allele origin: germline.

NM_000486.6(AQP2):c.674C>T (p.Pro225Leu)

Genes: AQP2 (aquaporin 2; plus strand), AQP5-AS1 (AQP5 and AQP2 antisense RNA 2; minus strand). Cytogenetic location: 12q13.12.
Variant type: single nucleotide variant.
Coding change: c.674C>T on transcript NM_000486.6 (MANE Select); coding-DNA position 674, C replaced by T.
Protein change: p.Pro225Leu; replaces proline 225 with leucine.
Molecular consequence: missense variant.
Genome position (GRCh38, 1-based): chr12:49,955,466, C>T. VCF-style: chr12-49955466-C-T. GRCh37 (hg19) VCF-style: chr12-50349249-C-T.
Other names: short protein forms P225L.
Identifiers: ClinVar variation 3574923 (VCV003574923.3).
Genomic context (GRCh38, chr12:49,955,466, plus strand): 5'-GGATCGGACCCCTGGTGGGCGCCATCCTGGGCTCCCTCCTCTACAACTACGTGCTGTTTC[C>T]GCCAGCCAAGAGCCTGTCGGAGCGCCTGGCAGTGCTGAAGGGCCTGGAGCCGGACACCGA-3'
Protein context (NP_000477.1, residues 215-235): GSLLYNYVLF[Pro225Leu]PAKSLSERLA